The following is an entry in ClinVar:

ClinVar aggregate classification (germline): Uncertain significance (1 of 4 stars; one submission).

Conditions:
Autosomal dominant nonsyndromic hearing loss 1. Also called: KONIGSMARK SYNDROME; DEAFNESS, AUTOSOMAL DOMINANT 1, WITH OR WITHOUT THROMBOCYTOPENIA. Identifiers: Orphanet 90635, MedGen C1852282, MONDO:0007424, OMIM 124900.
Progressive microcephaly-seizures-cortical blindness-developmental delay syndrome. Also called: Seizures, cortical blindness, and microcephaly syndrome. Identifiers: Orphanet 477814, MedGen C5567650, MONDO:0014714, OMIM 616632.

Allele frequency attached by ClinVar (database versions not stated): ExAC 0.00008.
gnomAD v4.1: 3 of 1,509,346 alleles (0.0002%); no homozygotes.

Submission:

Labcorp Genetics (formerly Invitae), Labcorp
Classification: Uncertain significance for Progressive microcephaly-seizures-cortical blindness-developmental delay syndrome; Autosomal dominant nonsyndromic hearing loss 1. Last evaluated: 2023-10-22. Review status: criteria provided, single submitter. Criteria: Invitae Variant Classification Sherloc (09022015). Collection method: clinical testing. Allele origin: germline.
Comment: This sequence change replaces proline, which is neutral and non-polar, with leucine, which is neutral and non-polar, at codon 3 of the DIAPH1 protein (p.Pro3Leu). The frequency data for this variant in the population databases is considered unreliable, as metrics indicate poor data quality at this position in the gnomAD database. This variant has not been reported in the literature in individuals affected with DIAPH1-related conditions. Experimental studies and prediction algorithms are not available or were not evaluated, and the functional significance of this variant is currently unknown. In summary, the available evidence is currently insufficient to determine the role of this variant in disease. Therefore, it has been classified as a Variant of Uncertain Significance.

NM_005219.5(DIAPH1):c.8C>T (p.Pro3Leu)

Gene: DIAPH1 (diaphanous related formin 1; minus strand). Cytogenetic location: 5q31.3.
Variant type: single nucleotide variant.
Coding change: c.8C>T on transcript NM_005219.5 (MANE Select); coding-DNA position 8, C replaced by T.
Protein change: p.Pro3Leu; replaces proline 3 with leucine.
Molecular consequence: missense variant.
Genome position (GRCh38, 1-based): chr5:141,618,907, G>A on the plus strand (C>T on the coding strand, the complement: DIAPH1 is on the minus strand). VCF-style: chr5-141618907-G-A. GRCh37 (hg19) VCF-style: chr5-140998474-G-A.
Other names: c.8C>T, p.Pro3Leu (NM_001079812.3, NM_001314007.2); short protein forms P3L.
Identifiers: ClinVar variation 2927010 (VCV002927010.3), dbSNP rs765907794, ClinGen allele CA3479717.
Genomic context (GRCh38, chr5:141,618,907, plus strand): 5'-GGGCTCCGGCCCTTCTTCTTGTCCCGGGTCCCGCGGCCGGGCCCCAGGCTCCCGCCGGGC[G>A]GCTCCATGTCCCGGTTCACGCTGGCCGGCGACCCCGCGCCTACGCCGCTCCCGCCTGGCA-3'
Protein context (NP_005210.3, residues 1-13): ME[Pro3Leu]PGGSLGPGRG